The following is an entry in ClinVar:

NM_004174.4(SLC9A3):c.734T>C (p.Val245Ala)

Gene: SLC9A3 (solute carrier family 9 member A3). Cytogenetic location: 5p15.33.
Variant type: single nucleotide variant.
Coding change: c.734T>C on transcript NM_004174.4 (MANE Select); coding-DNA position 734, T replaced by C.
Protein change: p.Val245Ala; replaces valine 245 with alanine.
Molecular consequence: missense variant.
Genome position (GRCh38, 1-based): chr5:485,173, A>G on the plus strand (T>C on the coding strand, the complement: SLC9A3 is on the minus strand). VCF-style: chr5-485173-A-G. GRCh37 (hg19) VCF-style: chr5-485288-A-G.
Other names: c.734T>C, p.Val245Ala (NM_001284351.3); short protein forms V245A.
Identifiers: ClinVar variation 1956252 (VCV001956252.5), dbSNP rs768497172, ClinGen allele CA3176223.

ClinVar aggregate classification (germline): Uncertain significance (1 of 4 stars; one submission).

Allele frequency attached by ClinVar (database versions not stated): gnomAD exomes below 0.00001; ExAC 0.00002.
gnomAD v4.1: 3 of 1,613,802 alleles (0.00019%); highest among the groups gnomAD compares: South Asian, 0.0033%; no homozygotes.

Submission:

Labcorp Genetics (formerly Invitae), Labcorp
Classification: Uncertain significance. Last evaluated: 2022-09-19. Review status: criteria provided, single submitter. Criteria: Invitae Variant Classification Sherloc (09022015). Collection method: clinical testing. Allele origin: germline.
Comment: In summary, the available evidence is currently insufficient to determine the role of this variant in disease. Therefore, it has been classified as a Variant of Uncertain Significance. Advanced modeling of protein sequence and biophysical properties (such as structural, functional, and spatial information, amino acid conservation, physicochemical variation, residue mobility, and thermodynamic stability) performed at Invitae indicates that this missense variant is not expected to disrupt SLC9A3 protein function. This variant has not been reported in the literature in individuals affected with SLC9A3-related conditions. This variant is present in population databases (rs768497172, gnomAD 0.01%). This sequence change replaces valine, which is neutral and non-polar, with alanine, which is neutral and non-polar, at codon 245 of the SLC9A3 protein (p.Val245Ala).